The following is an entry in ClinVar:

ClinVar aggregate classification (germline): Uncertain significance (1 of 4 stars; one submission).

Conditions:
Polyglandular autoimmune syndrome, type 1 (APS1). Also called: HYPOADRENOCORTICISM WITH HYPOPARATHYROIDISM AND SUPERFICIAL MONILIASIS; PGA I; AUTOIMMUNE POLYENDOCRINE SYNDROME, TYPE I, WITH OR WITHOUT REVERSIBLE METAPHYSEAL DYSPLASIA; APS I; Autoimmune polyendocrinopathy syndrome , type I, with or without reversible metaphyseal dysplasia; Whitaker syndrome. Identifiers: Orphanet 3453, MedGen C0085859, MONDO:0009411, OMIM 240300.

Submission:

Labcorp Genetics (formerly Invitae), Labcorp
Classification: Uncertain significance for Polyglandular autoimmune syndrome, type 1. Last evaluated: 2024-02-23. Review status: criteria provided, single submitter. Criteria: Invitae Variant Classification Sherloc (09022015). Collection method: clinical testing. Allele origin: germline.
Comment: This sequence change replaces glutamine, which is neutral and polar, with leucine, which is neutral and non-polar, at codon 108 of the AIRE protein (p.Gln108Leu). This variant is not present in population databases (gnomAD no frequency). This variant has not been reported in the literature in individuals affected with AIRE-related conditions. Advanced modeling of protein sequence and biophysical properties (such as structural, functional, and spatial information, amino acid conservation, physicochemical variation, residue mobility, and thermodynamic stability) has been performed at Invitae for this missense variant, however the output from this modeling did not meet the statistical confidence thresholds required to predict the impact of this variant on AIRE protein function. In summary, the available evidence is currently insufficient to determine the role of this variant in disease. Therefore, it has been classified as a Variant of Uncertain Significance.

NM_000383.4(AIRE):c.323A>T (p.Gln108Leu)

Gene: AIRE (autoimmune regulator; plus strand). Cytogenetic location: 21q22.3.
Variant type: single nucleotide variant.
Coding change: c.323A>T on transcript NM_000383.4 (MANE Select); coding-DNA position 323, A replaced by T.
Protein change: p.Gln108Leu; replaces glutamine 108 with leucine.
Molecular consequence: missense variant.
Genome position (GRCh38, 1-based): chr21:44,286,993, A>T. VCF-style: chr21-44286993-A-T. GRCh37 (hg19) VCF-style: chr21-45706876-A-T.
Other names: short protein forms Q108L.
Identifiers: ClinVar variation 3637838 (VCV003637838.2).